The following is an entry in ClinVar:

ClinVar aggregate classification (germline): Likely benign. Review status: criteria provided, single submitter (1 of 4 stars). 2 submissions from 2 submitters: Likely benign (1). 1 of the submissions does not count toward it. Last evaluated 2025-12-14.

Conditions:
OCA2-related disorder. Also called: OCA2-related condition.

Allele frequency attached by ClinVar (database versions not stated): ExAC 0.00002; 1000 Genomes Project 30x 0.00016; 1000 Genomes Project 0.00020.
gnomAD v4.1: 8 of 1,613,392 alleles (0.0005%); highest among the groups gnomAD compares: East Asian, 0.011%; no homozygotes.

Submissions (2):

Labcorp Genetics (formerly Invitae), Labcorp
Classification: Likely benign. Last evaluated: 2025-12-14. Review status: criteria provided, single submitter. Criteria: Invitae Variant Classification Sherloc (09022015). Collection method: clinical testing. Allele origin: germline.

PreventionGenetics, part of Exact Sciences
Classification: Likely benign for OCA2-related condition. Last evaluated: 2019-08-09. Review status: no assertion criteria provided. Collection method: clinical testing. Allele origin: germline. Not counted in ClinVar's aggregate classification.
Comment: This variant is classified as likely benign based on ACMG/AMP sequence variant interpretation guidelines (Richards et al. 2015 PMID: 25741868, with internal and published modifications).

NM_000275.3(OCA2):c.1923G>A (p.Ser641=)

Gene: OCA2 (OCA2 melanosomal transmembrane protein; minus strand). Cytogenetic location: 15q13.1.
Variant type: single nucleotide variant.
Coding change: c.1923G>A on transcript NM_000275.3 (MANE Select); coding-DNA position 1923, G replaced by A.
Protein change: p.Ser641=; no amino-acid change (serine 641 retained).
Molecular consequence: synonymous variant.
Genome position (GRCh38, 1-based): chr15:27,951,812, C>T on the plus strand (G>A on the coding strand, the complement: OCA2 is on the minus strand). VCF-style: chr15-27951812-C-T. GRCh37 (hg19) VCF-style: chr15-28196958-C-T.
Other names: c.1851G>A, p.Ser617= (NM_001300984.2); c.1923G>A (NM_000275.2).
Identifiers: ClinVar variation 1949518 (VCV001949518.7), dbSNP rs534814000, ClinGen allele CA7438855.